The following is an entry in ClinVar:

ClinVar aggregate classification (germline): Pathogenic (1 of 4 stars; one submission).

Conditions:
Osteogenesis imperfecta type 8 (OI8). Identifiers: MedGen C1970458, MONDO:0012581, OMIM 610915.

Submission:

Labcorp Genetics (formerly Invitae), Labcorp
Classification: Pathogenic for Osteogenesis imperfecta type 8. Last evaluated: 2023-02-14. Review status: criteria provided, single submitter. Criteria: Invitae Variant Classification Sherloc (09022015). Collection method: clinical testing. Allele origin: germline.
Comment: For these reasons, this variant has been classified as Pathogenic. This variant has not been reported in the literature in individuals affected with P3H1-related conditions. This variant is present in population databases (rs760657368, gnomAD 0.01%). This sequence change creates a premature translational stop signal (p.Val415Serfs*9) in the P3H1 gene. It is expected to result in an absent or disrupted protein product. Loss-of-function variants in P3H1 are known to be pathogenic (PMID: 17277775, 18566967, 19088120, 22281939).

Literature cited by the submitters: PubMed 17277775; PubMed 18566967; PubMed 19088120; PubMed 22281939.

NM_022356.4(P3H1):c.1242_1248del (p.Val415fs)

Gene: P3H1 (prolyl 3-hydroxylase 1; minus strand). Cytogenetic location: 1p34.2.
Variant type: Deletion.
Coding change: c.1242_1248del on transcript NM_022356.4 (MANE Select); coding-DNA positions 1242 to 1248, 7 bases deleted (CGTACGC; older notation c.1242_1248delCGTACGC).
Protein change: p.Val415fs; shifts the reading frame from valine 415.
Molecular consequence: frameshift variant.
Genome position (GRCh38, 1-based): chr1:42,754,966-42,754,972, GCGTACG deleted on the plus strand (CGTACGC on the coding strand, the reverse complement: P3H1 is on the minus strand); deleting any 7 consecutive bases within chr1:42,754,966-42,754,974 gives the same sequence; the c. name uses the placement nearest the transcript's 3' end. VCF-style (leftmost placement, unchanged base first): chr1-42754965-TGCGTACG-T. GRCh37 (hg19) VCF-style: chr1-43220636-TGCGTACG-T.
Other names: c.1242_1248del, p.Val415fs (NM_001146289.2, NM_001243246.2); short protein forms V415fs.
Identifiers: ClinVar variation 2777700 (VCV002777700.3), dbSNP rs760657368, ClinGen allele CA801896.